The following is an entry in ClinVar:

ClinVar aggregate classification (germline): Uncertain significance. Review status: criteria provided, multiple submitters, no conflicts (2 of 4 stars). 3 submissions from 3 submitters: Uncertain significance (3). Last evaluated 2026-08-17.

Conditions:
Von Hippel-Lindau syndrome (VHLS). Also called: Von Hippel-Lindau; von Hippel–Lindau syndrome; VHL syndrome. Identifiers: Orphanet 892, MedGen C0019562, MONDO:0008667, OMIM 193300. Disease mechanism: loss of function.
Chuvash polycythemia. Also called: POLYCYTHEMIA, VHL-DEPENDENT. Identifiers: Orphanet 238557, MedGen C1837915, MONDO:0009892, OMIM 263400.
Hereditary cancer-predisposing syndrome. Also called: Neoplastic Syndromes, Hereditary; Hereditary Cancer Syndrome; Tumor predisposition; Hereditary neoplastic syndrome. Identifiers: Orphanet 140162, MedGen C0027672, MeSH D009386, MONDO:0015356.

Allele frequency attached by ClinVar (database versions not stated): ExAC 0.00001; gnomAD exomes 0.00001.
gnomAD v4.1: 6 of 1,604,544 alleles (0.00037%); highest among the groups gnomAD compares: South Asian, 0.0066%; no homozygotes.

Submissions (3):

Ambry Genetics
Classification: Uncertain significance for Hereditary cancer-predisposing syndrome. Last evaluated: 2026-08-17. Review status: criteria provided, single submitter. Criteria: Ambry Variant Classification Scheme 2023. Collection method: clinical testing. Allele origin: germline.
Comment: The p.V83L variant (also known as c.247G>C), located in coding exon 1 of the VHL gene, results from a G to C substitution at nucleotide position 247. The valine at codon 83 is replaced by leucine, an amino acid with highly similar properties. This variant was determined to be functionally neutral in one saturation genome editing assay (Buckley M et al. Nat Genet, 2024 Jul;56:1446-1455). This amino acid position is well conserved in available vertebrate species. In addition, the in silico prediction for this alteration is inconclusive. Based on the available evidence, the clinical significance of this variant remains unclear.

GeneDx
Classification: Uncertain significance. Last evaluated: 2023-03-27. Review status: criteria provided, single submitter. Criteria: GeneDx Variant Classification Process June 2021. Collection method: clinical testing. Allele origin: germline. Affected: yes.
Comment: Not observed at significant frequency in large population cohorts (gnomAD); In silico analysis supports that this missense variant does not alter protein structure/function; Has not been previously published as pathogenic or benign to our knowledge

Labcorp Genetics (formerly Invitae), Labcorp
Classification: Uncertain significance for Von Hippel-Lindau syndrome; Chuvash polycythemia. Last evaluated: 2019-10-02. Review status: criteria provided, single submitter. Criteria: Invitae Variant Classification Sherloc (09022015). Collection method: clinical testing. Allele origin: germline.
Comment: This variant has not been reported in the literature in individuals with VHL-related conditions. Algorithms developed to predict the effect of missense changes on protein structure and function (SIFT, PolyPhen-2, Align-GVGD) all suggest that this variant is likely to be tolerated, but these predictions have not been confirmed by published functional studies and their clinical significance is uncertain. In summary, the available evidence is currently insufficient to determine the role of this variant in disease. Therefore, it has been classified as a Variant of Uncertain Significance. This sequence change replaces valine with leucine at codon 83 of the VHL protein (p.Val83Leu). The valine residue is moderately conserved and there is a small physicochemical difference between valine and leucine. This variant is present in population databases (rs751042065, ExAC 0.007%).

Literature cited by the submitters: PubMed 38969834 (cited by Ambry Genetics).

NM_000551.4(VHL):c.247G>C (p.Val83Leu)

Gene: VHL (von Hippel-Lindau tumor suppressor; plus strand). Cytogenetic location: 3p25.3.
Variant type: single nucleotide variant.
Coding change: c.247G>C on transcript NM_000551.4 (MANE Select); coding-DNA position 247, G replaced by C.
Protein change: p.Val83Leu; replaces valine 83 with leucine.
Molecular consequence: missense variant.
Genome position (GRCh38, 1-based): chr3:10,142,094, G>C. VCF-style: chr3-10142094-G-C. GRCh37 (hg19) VCF-style: chr3-10183778-G-C.
Other names: c.247G>C, p.Val83Leu (NM_001354723.2, NM_198156.3); short protein forms V83L.
Identifiers: ClinVar variation 963709 (VCV000963709.12), dbSNP rs751042065, ClinGen allele CA040005.